The following is an entry in ClinVar:

ClinVar aggregate classification (germline): Benign/Likely benign. Review status: criteria provided, multiple submitters, no conflicts (2 of 4 stars). 4 submissions from 4 submitters: Benign (1); Likely benign (3). Last evaluated 2026-10-01.

Allele frequency attached by ClinVar (database versions not stated): 1000 Genomes Project 30x 0.00141; 1000 Genomes Project 0.00160; TOPMed 0.00203; ESP Exome Variant Server 0.00269.
gnomAD v4.1: 1,963 of 1,605,208 alleles (0.12%); highest among the groups gnomAD compares: Middle Eastern, 0.53%; 4 homozygotes.

Submissions (4):

CeGaT Center for Human Genetics Tuebingen
Classification: Likely benign. Last evaluated: 2026-10-01. Review status: criteria provided, single submitter. Criteria: CeGaT Center For Human Genetics Tuebingen Variant Classification Criteria Version 2. Collection method: clinical testing. Allele origin: germline. Affected: yes. Observed: 8 variant alleles.
Comment: TOP3A: BP4, BP7

Labcorp Genetics (formerly Invitae), Labcorp
Classification: Benign. Last evaluated: 2026-01-20. Review status: criteria provided, single submitter. Criteria: Invitae Variant Classification Sherloc (09022015). Collection method: clinical testing. Allele origin: germline.

Blueprint Genetics
Classification: Likely benign. Last evaluated: 2024-11-21. Review status: criteria provided, single submitter. Criteria: ACMG Guidelines, 2015. Collection method: clinical testing. Allele origin: germline.

Breakthrough Genomics
Classification: Likely benign. Review status: criteria provided, single submitter. Criteria: ACMG Guidelines, 2015. Collection method: not provided. Allele origin: germline. Inheritance: Autosomal recessive inheritance. Affected: yes.

NM_004618.5(TOP3A):c.2820C>T (p.Thr940=)

Gene: TOP3A (DNA topoisomerase III alpha; minus strand). Cytogenetic location: 17p11.2.
Variant type: single nucleotide variant.
Coding change: c.2820C>T on transcript NM_004618.5 (MANE Select); coding-DNA position 2820, C replaced by T.
Protein change: p.Thr940=; no amino-acid change (threonine 940 retained).
Molecular consequence: synonymous variant.
Genome position (GRCh38, 1-based): chr17:18,277,682, G>A on the plus strand (C>T on the coding strand, the complement: TOP3A is on the minus strand). VCF-style: chr17-18277682-G-A. GRCh37 (hg19) VCF-style: chr17-18180996-G-A.
Other names: c.2535C>T, p.Thr845= (NM_001320759.2).
Identifiers: ClinVar variation 916326 (VCV000916326.47), dbSNP rs140837737, ClinGen allele CA8429512.